The following is an entry in ClinVar:

NM_000465.4(BARD1):c.1077G>A (p.Leu359=)

Gene: BARD1 (BRCA1 associated RING domain 1; minus strand). Cytogenetic location: 2q35.
Variant type: single nucleotide variant.
Coding change: c.1077G>A on transcript NM_000465.4 (MANE Select); coding-DNA position 1077, G replaced by A.
Protein change: p.Leu359=; no amino-acid change (leucine 359 retained).
Molecular consequence: synonymous variant. On other transcripts: non-coding transcript variant (2), intron variant (3).
Genome position (GRCh38, 1-based): chr2:214,780,797, C>T on the plus strand (G>A on the coding strand, the complement: BARD1 is on the minus strand). VCF-style: chr2-214780797-C-T. GRCh37 (hg19) VCF-style: chr2-215645521-C-T.
Other names: c.1020G>A, p.Leu340= (NM_001282543.2); c.159-28242G>A (NM_001282548.2); c.215+16264G>A (NM_001282545.2); c.364+11500G>A (NM_001282549.2).
Identifiers: ClinVar variation 4822777 (VCV004822777.4).

ClinVar aggregate classification (germline): Likely benign (1 of 4 stars; one submission).

Submission:

CeGaT Center for Human Genetics Tuebingen
Classification: Likely benign. Last evaluated: 2026-01-01. Review status: criteria provided, single submitter. Criteria: CeGaT Center For Human Genetics Tuebingen Variant Classification Criteria Version 2. Collection method: clinical testing. Allele origin: germline. Affected: yes. Observed: 1 variant allele.
Comment: BARD1: PM2:Supporting, BP4, BP7